The following is an entry in ClinVar:

NM_002485.5(NBN):c.741_742dup (p.Glu248fs)

Gene: NBN (nibrin; minus strand). Cytogenetic location: 8q21.3.
Variant type: Duplication.
Coding change: c.741_742dup on transcript NM_002485.5 (MANE Select); coding-DNA positions 741 to 742, 2 bases duplicated (GG; older notation c.741_742dupGG).
Protein change: p.Glu248fs; shifts the reading frame from glutamic acid 248.
Molecular consequence: frameshift variant.
Genome position (GRCh38, 1-based): chr8:89,970,518-89,970,519, CC duplicated on the plus strand (GG on the coding strand, the reverse complement: NBN is on the minus strand); duplicating any 2 consecutive bases within chr8:89,970,518-89,970,521 gives the same sequence; the c. name uses the placement nearest the transcript's 3' end. VCF-style (leftmost placement, unchanged base first): chr8-89970517-T-TCC. GRCh37 (hg19) VCF-style: chr8-90982745-T-TCC.
Other names: 742insGG; c.495_496dup, p.Glu166fs (NM_001024688.3); c.741_742dupGG (NM_002485.4); short protein forms E166fs, E248fs.
Identifiers: ClinVar variation 6949 (VCV000006949.19), dbSNP rs864309670, ClinGen allele CA278582.

ClinVar aggregate classification (germline): Pathogenic/Likely pathogenic. Review status: criteria provided, multiple submitters, no conflicts (2 of 4 stars). 8 submissions from 8 submitters: Pathogenic (3); Likely pathogenic (3). 2 of the submissions do not count toward it. Last evaluated 2023-10-24.

Conditions:
Hereditary cancer-predisposing syndrome. Also called: Tumor predisposition; Hereditary Cancer Syndrome; Neoplastic Syndromes, Hereditary; Hereditary neoplastic syndrome. Identifiers: Orphanet 140162, MedGen C0027672, MeSH D009386, MONDO:0015356.
Microcephaly, normal intelligence and immunodeficiency (NBS). Also called: SEEMANOVA SYNDROME II; BERLIN BREAKAGE SYNDROME; Nijmegen breakage syndrome; Microcephaly with normal intelligence immunodeficiency and lymphoreticular malignancies; Nonsyndromal microcephaly autosomal recessive with normal intelligence; Seemanova syndrome 2. Identifiers: Orphanet 647, MedGen C0398791, MONDO:0009623, OMIM 251260.

Submissions (8):

Ambry Genetics
Classification: Likely pathogenic for Hereditary cancer-predisposing syndrome. Last evaluated: 2023-10-24. Review status: criteria provided, single submitter. Criteria: Ambry Variant Classification Scheme 2023. Collection method: clinical testing. Allele origin: germline.
Comment: The c.741_742dupGG variant, located in coding exon 7 of the NBN gene, results from a duplication of GG at nucleotide position 741, causing a translational frameshift with a predicted alternate stop codon (p.E248Gfs*5). This alteration has been reported in the homozygous state in an individual affected with a mild Nijmegen breakage syndrome phenotype (Varon R et al. Hum. Mol. Genet., 2006 Mar;15:679-89). Functional studies have shown that this variant produces an abnormal in frame transcript lacking exons 6 and 7 that can produce a protein with partial functionality (Varon R et al. Hum. Mol. Genet., 2006 Mar;15:679-89). Based on the majority of available evidence to date, this variant is likely to be pathogenic.

Women's Health and Genetics/Laboratory Corporation of America, LabCorp
Classification: Pathogenic for Microcephaly, normal intelligence and immunodeficiency. Last evaluated: 2022-06-13. Review status: criteria provided, single submitter. Criteria: LabCorp Variant Classification Summary - May 2015. Collection method: clinical testing. Allele origin: germline.
Comment: Variant summary: NBN c.741_742dupGG (p.Glu248GlyfsX5) results in a premature termination codon, predicted to cause a truncation of the encoded protein or absence of the protein due to nonsense mediated decay, which are commonly known mechanisms for disease. Truncations downstream of this position have been classified as pathogenic by our laboratory. Experimental evidence has shown that this variant affects mRNA splicing: recovered transcripts from a homozygous patient were missing exons 6-7 (Varon_2006). Complementation experiments using mouse cells deficient in NBN showed that this alternative transcript was able to rescue some cell survival (Varon_2006). The variant was absent in 251058 control chromosomes (gnomAD). c.741_742dupGG has been reported in the literature in at least one homozygous individual affected with Nijmegen Breakage Syndrome (Di Masi_2006). These data indicate that the variant may be associated with disease. Five ClinVar submitters have assessed the variant since 2014: one classified the variant as likely pathogenic and four as pathogenic. Based on the evidence outlined above, the variant was classified as pathogenic.

Labcorp Genetics (formerly Invitae), Labcorp
Classification: Pathogenic for Microcephaly, normal intelligence and immunodeficiency. Last evaluated: 2021-12-07. Review status: criteria provided, single submitter. Criteria: Invitae Variant Classification Sherloc (09022015). Collection method: clinical testing. Allele origin: germline.
Comment: This variant is not present in population databases (gnomAD no frequency). This sequence change creates a premature translational stop signal (p.Glu248Glyfs*5) in the NBN gene. It is expected to result in an absent or disrupted protein product. Loss-of-function variants in NBN are known to be pathogenic (PMID: 9590180, 16415040). This premature translational stop signal has been observed in individual(s) with Nijmegen breakage syndrome (PMID: 2625251, 3802554, 16415040). For these reasons, this variant has been classified as Pathogenic. ClinVar contains an entry for this variant (Variation ID: 6949).

GeneDx
Classification: Likely pathogenic. Last evaluated: 2021-11-18. Review status: criteria provided, single submitter. Criteria: GeneDx Variant Classification Process June 2021. Collection method: clinical testing. Allele origin: germline. Affected: yes.
Comment: Published functional studies demonstrate a damaging effect showing an alternatively spliced transcript involving an in-frame deletion of exon 6 and 7 and also the absence of full length NBN protein by immunoprecipitation (Varon 2006, Salewsky 2016); Not observed at significant frequency in large population cohorts (Lek et al., 2016); This variant is associated with the following publications: (PMID: 21436738, 16415040, 22373003, 3802554, 26265251)

Genome-Nilou Lab
Classification: Pathogenic for Microcephaly, normal intelligence and immunodeficiency. Last evaluated: 2021-11-07. Review status: criteria provided, single submitter. Criteria: ACMG Guidelines, 2015. Collection method: clinical testing. Allele origin: germline. Affected: no.

Genesis Genomics
Classification: Likely pathogenic for Microcephaly, normal intelligence and immunodeficiency. Review status: criteria provided, single submitter. Criteria: ACMG Guidelines, 2015. Collection method: clinical testing. Allele origin: germline. Affected: yes. Observed: 1 variant allele.

OMIM
Classification: Pathogenic for NIJMEGEN BREAKAGE SYNDROME. Last evaluated: 2006-03-01. Review status: no assertion criteria provided. Collection method: literature only. Allele origin: germline. Not counted in ClinVar's aggregate classification.

GeneReviews
No classification provided. Condition: Microcephaly, normal intelligence and immunodeficiency. Review status: no classification provided. Collection method: literature only. Allele origin: germline. Not counted in ClinVar's aggregate classification.

Literature cited by the submitters: PubMed 16415040 (cited by 5 submitters); PubMed 26265251 (cited by Ambry Genetics and Women's Health and Genetics/Laboratory Corporation of America, LabCorp); PubMed 11952644 (cited by Women's Health and Genetics/Laboratory Corporation of America, LabCorp); PubMed 16544999 (cited by Women's Health and Genetics/Laboratory Corporation of America, LabCorp); PubMed 9590180 (cited by Labcorp Genetics (formerly Invitae), Labcorp); PubMed 2625251 (cited by Labcorp Genetics (formerly Invitae), Labcorp); PubMed 3802554 (cited by Labcorp Genetics (formerly Invitae), Labcorp and OMIM); NCBI Bookshelf NBK1176 (cited by GeneReviews).